The following is an entry in ClinVar:

NM_005559.4(LAMA1):c.8441A>C (p.Asp2814Ala)

Gene: LAMA1 (laminin subunit alpha 1; minus strand). Cytogenetic location: 18p11.31.
Variant type: single nucleotide variant.
Coding change: c.8441A>C on transcript NM_005559.4 (MANE Select); coding-DNA position 8441, A replaced by C.
Protein change: p.Asp2814Ala; replaces aspartic acid 2814 with alanine.
Molecular consequence: missense variant.
Genome position (GRCh38, 1-based): chr18:6,949,216, T>G on the plus strand (A>C on the coding strand, the complement: LAMA1 is on the minus strand). VCF-style: chr18-6949216-T-G. GRCh37 (hg19) VCF-style: chr18-6949215-T-G.
Other names: short protein forms D2814A.
Identifiers: ClinVar variation 2066734 (VCV002066734.1), dbSNP rs762656731, ClinGen allele CA8880472.
Genomic context (GRCh38, chr18:6,949,216, plus strand): 5'-CCCTCCACATCCAGCATGGTTCCATCTCCCACCACAGTCACCATGGGAGACTCTCGGCCG[T>G]CGACAGTTATGAAGCCTTTTCTTTTAACATAGTCTGTCTTGACCTACAGCAAAGTGAAAA-3'
Protein context (NP_005550.2, residues 2804-2824): YVKRKGFITV[Asp2814Ala]GRESPMVTVV

ClinVar aggregate classification (germline): Uncertain significance (1 of 4 stars; one submission).

Allele frequency attached by ClinVar (database versions not stated): gnomAD exomes 0.00001; ExAC 0.00002; TOPMed 0.00002.
gnomAD v4.1: 6 of 1,614,186 alleles (0.00037%); highest among the groups gnomAD compares: Admixed American, 0.01%; no homozygotes.

Submission:

Labcorp Genetics (formerly Invitae), Labcorp
Classification: Uncertain significance. Last evaluated: 2022-08-21. Review status: criteria provided, single submitter. Criteria: Invitae Variant Classification Sherloc (09022015). Collection method: clinical testing. Allele origin: germline.
Comment: This sequence change replaces aspartic acid, which is acidic and polar, with alanine, which is neutral and non-polar, at codon 2814 of the LAMA1 protein (p.Asp2814Ala). This variant is present in population databases (rs762656731, gnomAD 0.01%). This variant has not been reported in the literature in individuals affected with LAMA1-related conditions. Algorithms developed to predict the effect of missense changes on protein structure and function are either unavailable or do not agree on the potential impact of this missense change (SIFT: "Deleterious"; PolyPhen-2: "Probably Damaging"; Align-GVGD: "Class C0"). In summary, the available evidence is currently insufficient to determine the role of this variant in disease. Therefore, it has been classified as a Variant of Uncertain Significance.